The following is an entry in ClinVar:

ClinVar aggregate classification (germline): Uncertain significance (1 of 4 stars; one submission).

Conditions:
Multiple congenital anomalies-hypotonia-seizures syndrome 1 (MCAHS1). Also called: GLYCOSYLPHOSPHATIDYLINOSITOL BIOSYNTHESIS DEFECT 3; PIGN-CDG; Congenital disorder of glycosylation due to PIGN deficiency. Identifiers: Orphanet 280633, MedGen C3279775, MONDO:0013563, OMIM 614080.

Submission:

Labcorp Genetics (formerly Invitae), Labcorp
Classification: Uncertain significance for Multiple congenital anomalies-hypotonia-seizures syndrome 1. Last evaluated: 2022-07-02. Review status: criteria provided, single submitter. Criteria: Invitae Variant Classification Sherloc (09022015). Collection method: clinical testing. Allele origin: germline.
Comment: In summary, the available evidence is currently insufficient to determine the role of this variant in disease. Therefore, it has been classified as a Variant of Uncertain Significance. Algorithms developed to predict the effect of missense changes on protein structure and function are either unavailable or do not agree on the potential impact of this missense change (SIFT: "Not Available"; PolyPhen-2: "Probably Damaging"; Align-GVGD: "Not Available"). This variant has not been reported in the literature in individuals affected with PIGN-related conditions. This variant is not present in population databases (gnomAD no frequency). This sequence change replaces tyrosine, which is neutral and polar, with asparagine, which is neutral and polar, at codon 438 of the PIGN protein (p.Tyr438Asn).

NM_176787.5(PIGN):c.1312T>A (p.Tyr438Asn)

Gene: PIGN (phosphatidylinositol glycan anchor biosynthesis class N; minus strand). Cytogenetic location: 18q21.33.
Variant type: single nucleotide variant.
Coding change: c.1312T>A on transcript NM_176787.5 (MANE Select); coding-DNA position 1312, T replaced by A.
Protein change: p.Tyr438Asn; replaces tyrosine 438 with asparagine.
Molecular consequence: missense variant.
Genome position (GRCh38, 1-based): chr18:62,113,256, A>T on the plus strand (T>A on the coding strand, the complement: PIGN is on the minus strand). VCF-style: chr18-62113256-A-T. GRCh37 (hg19) VCF-style: chr18-59780489-A-T.
Other names: c.1312T>A, p.Tyr438Asn (NM_012327.6); short protein forms Y438N.
Identifiers: ClinVar variation 2013201 (VCV002013201.4), dbSNP rs745667697, ClinGen allele CA402605909.
Genomic context (GRCh38, chr18:62,113,256, plus strand): 5'-CATAAGATATCCATCCCACAAAACCAATAACAACATTGACGCCCAAAAAGAATCTGTCAT[A>T]TGTGTGATAATAGGACAATCCTTTCAATGCAAGATGAATTAGCTCCTTGCAAAGGGAGAC-3'
Protein context (NP_789744.1, residues 428-448): ALKGLSYYHT[Tyr438Asn]DRFFLGVNVV